The following is an entry in ClinVar:

NM_003482.4(KMT2D):c.16295G>T (p.Arg5432Leu)

Gene: KMT2D (lysine methyltransferase 2D; minus strand). Cytogenetic location: 12q13.12.
Variant type: single nucleotide variant.
Coding change: c.16295G>T on transcript NM_003482.4 (MANE Select); coding-DNA position 16295, G replaced by T.
Protein change: p.Arg5432Leu; replaces arginine 5432 with leucine.
Molecular consequence: missense variant.
Genome position (GRCh38, 1-based): chr12:49,022,633, C>A on the plus strand (G>T on the coding strand, the complement: KMT2D is on the minus strand). VCF-style: chr12-49022633-C-A. GRCh37 (hg19) VCF-style: chr12-49416416-C-A.
Other names: short protein forms R5432L.
Identifiers: ClinVar variation 2025011 (VCV002025011.4), dbSNP rs398123734, ClinGen allele CA384677598.

ClinVar aggregate classification (germline): Likely pathogenic (1 of 4 stars; one submission).

Conditions:
Kabuki syndrome. Also called: NIIKAWA-KUROKI SYNDROME; Kabuki make-up syndrome. Identifiers: Orphanet 2322, MedGen C0796004, MONDO:0016512.

Submission:

Labcorp Genetics (formerly Invitae), Labcorp
Classification: Likely pathogenic for Kabuki syndrome. Last evaluated: 2022-08-19. Review status: criteria provided, single submitter. Criteria: Invitae Variant Classification Sherloc (09022015). Collection method: clinical testing. Allele origin: germline.
Comment: This sequence change replaces arginine, which is basic and polar, with leucine, which is neutral and non-polar, at codon 5432 of the KMT2D protein (p.Arg5432Leu). This variant is not present in population databases (gnomAD no frequency). This missense change has been observed in individual(s) with KMT2D-related conditions (Invitae). Advanced modeling of protein sequence and biophysical properties (such as structural, functional, and spatial information, amino acid conservation, physicochemical variation, residue mobility, and thermodynamic stability) performed at Invitae indicates that this missense variant is expected to disrupt KMT2D protein function. This variant disrupts the p.Arg5432 amino acid residue in KMT2D. Other variant(s) that disrupt this residue have been determined to be pathogenic (PMID: 22740433, 22786791, 27302555, 29725259, 31727177, 32170002). This suggests that this residue is clinically significant, and that variants that disrupt this residue are likely to be disease-causing. In summary, the currently available evidence indicates that the variant is pathogenic, but additional data are needed to prove that conclusively. Therefore, this variant has been classified as Likely Pathogenic.

Literature cited by the submitters: PubMed 22740433; PubMed 22786791; PubMed 27302555; PubMed 29725259; PubMed 31727177; PubMed 32170002.